The following is an entry in ClinVar:

NM_002528.7(NTHL1):c.906G>T (p.Gln302His)

Gene: NTHL1 (nth like DNA glycosylase 1; minus strand). Cytogenetic location: 16p13.3.
Variant type: single nucleotide variant.
Coding change: c.906G>T on transcript NM_002528.7 (MANE Select); coding-DNA position 906, G replaced by T.
Protein change: p.Gln302His; replaces glutamine 302 with histidine.
Molecular consequence: missense variant.
Genome position (GRCh38, 1-based): chr16:2,039,933, C>A on the plus strand (G>T on the coding strand, the complement: NTHL1 is on the minus strand). VCF-style: chr16-2039933-C-A. GRCh37 (hg19) VCF-style: chr16-2089934-C-A.
Other names: c.735G>T, p.Gln245His (NM_001318193.2); c.576G>T, p.Gln192His (NM_001318194.2); short protein forms Q192H, Q245H, Q302H.
Identifiers: ClinVar variation 3408209 (VCV003408209.1).

ClinVar aggregate classification (germline): Uncertain significance (1 of 4 stars; one submission).

Conditions:
Hereditary cancer-predisposing syndrome. Also called: Neoplastic Syndromes, Hereditary; Tumor predisposition; Hereditary Cancer Syndrome; Hereditary neoplastic syndrome. Identifiers: Orphanet 140162, MedGen C0027672, MeSH D009386, MONDO:0015356.

Submission:

Ambry Genetics
Classification: Uncertain significance for Hereditary cancer-predisposing syndrome. Last evaluated: 2024-08-20. Review status: criteria provided, single submitter. Criteria: Ambry Variant Classification Scheme 2023. Collection method: clinical testing. Allele origin: germline.
Comment: The p.Q310H variant (also known as c.930G>T), located in coding exon 6 of the NTHL1 gene, results from a G to T substitution at nucleotide position 930. The glutamine at codon 310 is replaced by histidine, an amino acid with highly similar properties. This amino acid position is conserved. In addition, this alteration is predicted to be tolerated by in silico analysis. Based on the available evidence, the clinical significance of this variant remains unclear.